The following is an entry in ClinVar:

ClinVar aggregate classification (germline): Benign/Likely benign. Review status: criteria provided, multiple submitters, no conflicts (2 of 4 stars). 4 submissions from 4 submitters: Benign (1); Likely benign (3). Last evaluated 2026-04-17.

Conditions:
EPHB4-related disorder. Also called: EPHB4-related disorders; EPHB4-related condition.
Cardiovascular phenotype. Identifiers: MedGen CN230736.

Allele frequency attached by ClinVar (database versions not stated): TOPMed 0.00024; gnomAD 0.00027 and 0.00014; 1000 Genomes Project 30x 0.00156; 1000 Genomes Project 0.00200; ESP Exome Variant Server 0.00008.
gnomAD v4.1: 221 of 1,572,610 alleles (0.014%); highest among the groups gnomAD compares: East Asian, 0.32%; no homozygotes.

Submissions (4):

PreventionGenetics, part of Exact Sciences
Classification: Likely benign for EPHB4-related condition. Last evaluated: 2026-04-17. Review status: criteria provided, single submitter. Criteria: ACMG Guidelines, 2015. Collection method: clinical testing. Allele origin: germline.
Comment: This variant is classified as likely benign based on ACMG/AMP sequence variant interpretation guidelines (Richards et al. 2015 PMID: 25741868, with internal and published modifications).

Labcorp Genetics (formerly Invitae), Labcorp
Classification: Benign. Last evaluated: 2025-02-15. Review status: criteria provided, single submitter. Criteria: Invitae Variant Classification Sherloc (09022015). Collection method: clinical testing. Allele origin: germline.

Blueprint Genetics
Classification: Likely benign. Last evaluated: 2024-10-25. Review status: criteria provided, single submitter. Criteria: ACMG Guidelines, 2015. Collection method: clinical testing. Allele origin: germline.

Ambry Genetics
Classification: Likely benign for Cardiovascular phenotype. Last evaluated: 2019-06-06. Review status: criteria provided, single submitter. Criteria: Ambry Variant Classification Scheme 2023. Collection method: clinical testing. Allele origin: germline.

NM_004444.5(EPHB4):c.2955G>A (p.Pro985=)

Gene: EPHB4 (EPH receptor B4; minus strand). Cytogenetic location: 7q22.1.
Variant type: single nucleotide variant.
Coding change: c.2955G>A on transcript NM_004444.5 (MANE Select); coding-DNA position 2955, G replaced by A.
Protein change: p.Pro985=; no amino-acid change (proline 985 retained).
Molecular consequence: synonymous variant.
Genome position (GRCh38, 1-based): chr7:100,803,470, C>T on the plus strand (G>A on the coding strand, the complement: EPHB4 is on the minus strand). VCF-style: chr7-100803470-C-T. GRCh37 (hg19) VCF-style: chr7-100401092-C-T.
Identifiers: ClinVar variation 1578559 (VCV001578559.12), dbSNP rs56086910, ClinGen allele CA4392468.